The following is an entry in ClinVar:

ClinVar aggregate classification (germline): Uncertain significance (1 of 4 stars; one submission).

Conditions:
Beckwith-Wiedemann syndrome (BWS). Also called: Exomphalos macroglossia gigantism syndrome; EMG SYNDROME. Identifiers: Orphanet 116, MedGen C0004903, MONDO:0007534, OMIM 130650.

Submission:

Labcorp Genetics (formerly Invitae), Labcorp
Classification: Uncertain significance for Beckwith-Wiedemann syndrome. Last evaluated: 2022-05-20. Review status: criteria provided, single submitter. Criteria: Invitae Variant Classification Sherloc (09022015). Collection method: clinical testing. Allele origin: germline.
Comment: Algorithms developed to predict the effect of missense changes on protein structure and function (SIFT, PolyPhen-2, Align-GVGD) all suggest that this variant is likely to be disruptive. In summary, the available evidence is currently insufficient to determine the role of this variant in disease. Therefore, it has been classified as a Variant of Uncertain Significance. This variant has not been reported in the literature in individuals affected with CDKN1C-related conditions. This variant is not present in population databases (gnomAD no frequency). This sequence change replaces glycine, which is neutral and non-polar, with tryptophan, which is neutral and slightly polar, at codon 35 of the CDKN1C protein (p.Gly35Trp).

NM_001122630.2(CDKN1C):c.70G>T (p.Gly24Trp)

Gene: CDKN1C (cyclin dependent kinase inhibitor 1C; minus strand). Cytogenetic location: 11p15.4.
Variant type: single nucleotide variant.
Coding change: c.70G>T on transcript NM_001122630.2 (MANE Select); coding-DNA position 70, G replaced by T.
Protein change: p.Gly24Trp; replaces glycine 24 with tryptophan.
Molecular consequence: missense variant.
Genome position (GRCh38, 1-based): chr11:2,885,387, C>A on the plus strand (G>T on the coding strand, the complement: CDKN1C is on the minus strand). VCF-style: chr11-2885387-C-A. GRCh37 (hg19) VCF-style: chr11-2906617-C-A.
Other names: c.103G>T, p.Gly35Trp (NM_000076.2, NM_001362474.2); c.70G>T, p.Gly24Trp (NM_001122631.2, NM_001362475.2); short protein forms G35W, G24W.
Identifiers: ClinVar variation 1997116 (VCV001997116.4), dbSNP rs2494390648, ClinGen allele CA379147764.
Genomic context (GRCh38, chr11:2,885,387, plus strand): 5'-CGTTCAGCTCGGCCAGGCGGGCCTGCAGCTCGCGGCTCAGCTCCTCGTGGTCCACCGGCC[C>A]GAAGAGGCTGCGGCAGGCGCTGGTGCGCACTAGTACTGGGAAGGTCCCACGGGCGACAAG-3'
Protein context (NP_001116102.1, residues 14-34): VRTSACRSLF[Gly24Trp]PVDHEELSRE